The following is an entry in ClinVar:

ClinVar aggregate classification (germline): Likely pathogenic (1 of 4 stars; one submission).

Conditions:
Ectodermal dysplasia 11B, hypohidrotic/hair/tooth type, autosomal recessive. Identifiers: Orphanet 238468, Orphanet 248, MedGen C3539920, MONDO:0013983, OMIM 614941.

Submission:

Centre for Medical Genetics,  Mumbai
Classification: Likely pathogenic for Ectodermal dysplasia 11B, hypohidrotic/hair/tooth type, autosomal recessive. Last evaluated: 2025-12-31. Review status: criteria provided, single submitter. Criteria: ACMG Guidelines, 2015. Collection method: provider interpretation. Allele origin: germline. Inheritance: Autosomal recessive inheritance. Affected: yes. Observed: 1 homozygote.
Comment: The variant satisfies PM1 criteria: Non-truncating non-synonymous variant is located in a mutational hot spot and/or critical and well-established functional domain (9 pathogenic or likely pathogenic reported variants were found in a 341bp region surrounding this variant in exon 6 within the region 236482308-236482649 without any missense benign variants), The variant is absent in gnomAD database hence satisfies PM2 criteria, the variant satisfies PP3 criteria: for a missense or a splicing region variant, computational prediction tools unanimously support a deleterious effect on the gene

Literature cited by the submitters: PubMed 26991760.

NM_145861.4(EDARADD):c.548G>T (p.Cys183Phe)

Gene: EDARADD (EDAR associated via death domain; plus strand). Cytogenetic location: 1q43.
Variant type: single nucleotide variant.
Coding change: c.548G>T on transcript NM_145861.4 (MANE Select); coding-DNA position 548, G replaced by T.
Protein change: p.Cys183Phe; replaces cysteine 183 with phenylalanine.
Molecular consequence: missense variant.
Genome position (GRCh38, 1-based): chr1:236,482,549, G>T. VCF-style: chr1-236482549-G-T. GRCh37 (hg19) VCF-style: chr1-236645849-G-T.
Other names: c.482G>T, p.Cys161Phe (NM_001422628.1); c.518G>T, p.Cys173Phe (NM_080738.5); short protein forms C161F, C173F, C183F.
Identifiers: ClinVar variation 4685519 (VCV004685519.1).